The following is an entry in ClinVar:

ClinVar aggregate classification (germline): Uncertain significance. Review status: criteria provided, multiple submitters, no conflicts (2 of 4 stars). 5 submissions from 4 submitters: Uncertain significance (5). Last evaluated 2026-02-12.

Conditions:
Adams-Oliver syndrome 5 (AOS5). Identifiers: Orphanet 974, MedGen C4014970, MONDO:0014459, OMIM 616028.
Aortic valve disease 1 (AOVD1). Identifiers: MedGen C3887892, MONDO:0024523, OMIM 109730.
Familial thoracic aortic aneurysm and aortic dissection (TAAD). Also called: Thoracic aortic aneurysms and dissections. Identifiers: Orphanet 91387, MedGen C4707243, MONDO:0019625.

Submissions (5):

GeneDx
Classification: Uncertain significance. Last evaluated: 2026-02-12. Review status: criteria provided, single submitter. Criteria: GeneDx Variant Classification Process June 2021. Collection method: clinical testing. Allele origin: germline. Affected: yes.
Comment: Has not been previously published as pathogenic or benign to our knowledge; Not observed at significant frequency in large population cohorts (gnomAD); In silico analysis supports that this missense variant has a deleterious effect on protein structure/function; This variant is associated with the following publications: (PMID: 27035284, 26776195, 31429737)

Genome-Nilou Lab
Classification: Uncertain significance for Adams-Oliver syndrome 5. Last evaluated: 2022-03-15. Review status: criteria provided, single submitter. Criteria: ACMG Guidelines, 2015. Collection method: clinical testing. Allele origin: germline. Affected: no.

Genome-Nilou Lab
Classification: Uncertain significance for Aortic valve disease 1. Last evaluated: 2022-03-15. Review status: criteria provided, single submitter. Criteria: ACMG Guidelines, 2015. Collection method: clinical testing. Allele origin: germline. Affected: no.

Victorian Clinical Genetics Services, Murdoch Childrens Research Institute
Classification: Uncertain significance for Adams-Oliver syndrome 5. Last evaluated: 2020-10-19. Review status: criteria provided, single submitter. Criteria: ACMG Guidelines, 2015. Collection method: clinical testing. Allele origin: germline. Inheritance: Autosomal dominant inheritance. Affected: yes.
Comment: Based on the classification scheme VCGS_Germline_v1.1.1, this variant is classified as a 3A-VUS. Following criteria are met: 0103 - Both loss- and gain-of-function are known mechanisms of disease for this gene (OMIM, PMID:27760138). (N) 0107 - This gene is known to be associated with autosomal dominant disease. (N) 0112 - Variants in this gene are known to have reduced penetrance. (PMID:30582441, OMIM). (N) 0200 - Variant is predicted to result in a missense amino acid change from phenylalanine to serine, exon 6. (N) 0251 - Variant is heterozygous. (N) 0301 - Variant is absent from gnomAD. (P) 0501 - Missense variant consistently predicted to be damaging by multiple in silico tools or highly conserved with a major amino acid change. 4/4 in silico analyses, very highly conserved and major change. (P) 0600 - Variant is located in an annotated domain or motif: Calcium binding, EGF-like domain 9 (Uniprot, RCSB-PDB, NCBI_Conserved domains). (N) 0705 - No comparable variants have previous evidence for pathogenicity. (N) 0807 - Variant has not previously been reported in a clinical context in association with a cardiac condition. However, it has been reported several times in a somatic context in several different tumour types (COSMIC, OMIM, several publications). (N) 0905 - No segregation evidence has been identified for this variant. (N) 1007 - No published functional evidence has been identified for this variant. (N) Legend: (P) - Pathogenic, (N) - Neutral, (B) - Benign

CHEO Genetics Diagnostic Laboratory, Children's Hospital of Eastern Ontario
Classification: Uncertain significance for Familial thoracic aortic aneurysm and aortic dissection. Last evaluated: 2019-09-10. Review status: criteria provided, single submitter. Criteria: ACMG Guidelines, 2015. Collection method: clinical testing. Allele origin: germline.

Literature cited by the submitters: PubMed 27760138 (cited by Victorian Clinical Genetics Services, Murdoch Childrens Research Institute); PubMed 30582441 (cited by Victorian Clinical Genetics Services, Murdoch Childrens Research Institute).

NM_017617.5(NOTCH1):c.1070T>C (p.Phe357Ser)

Gene: NOTCH1 (notch receptor 1; minus strand). Cytogenetic location: 9q34.3.
Variant type: single nucleotide variant.
Coding change: c.1070T>C on transcript NM_017617.5 (MANE Select); coding-DNA position 1070, T replaced by C.
Protein change: p.Phe357Ser; replaces phenylalanine 357 with serine.
Molecular consequence: missense variant.
Genome position (GRCh38, 1-based): chr9:136,518,620, A>G on the plus strand (T>C on the coding strand, the complement: NOTCH1 is on the minus strand). VCF-style: chr9-136518620-A-G. GRCh37 (hg19) VCF-style: chr9-139413072-A-G.
Other names: short protein forms F357S.
Identifiers: ClinVar variation 1303588 (VCV001303588.8), dbSNP rs1843316172, ClinGen allele CA375565295.